The following is an entry in ClinVar:

NM_004370.6(COL12A1):c.7139C>T (p.Thr2380Met)

Genes: COL12A1 (collagen type XII alpha 1 chain; minus strand), LOC126859712 (MED14-independent group 3 enhancer GRCh37_chr6:75828643-75829842; plus strand). Cytogenetic location: 6q13.
Variant type: single nucleotide variant.
Coding change: c.7139C>T on transcript NM_004370.6 (MANE Select); coding-DNA position 7139, C replaced by T.
Protein change: p.Thr2380Met; replaces threonine 2380 with methionine.
Molecular consequence: missense variant.
Genome position (GRCh38, 1-based): chr6:75,119,421, G>A on the plus strand (C>T on the coding strand, the complement: COL12A1 is on the minus strand). VCF-style: chr6-75119421-G-A. GRCh37 (hg19) VCF-style: chr6-75829137-G-A.
Other names: c.3647C>T, p.Thr1216Met (NM_080645.3); c.7139C>T (NM_004370.5); short protein forms T1216M, T2380M.
Identifiers: ClinVar variation 1923940 (VCV001923940.7), dbSNP rs752457445, ClinGen allele CA3892635.

ClinVar aggregate classification (germline): Uncertain significance. Review status: criteria provided, multiple submitters, no conflicts (2 of 4 stars). 2 submissions from 2 submitters: Uncertain significance (2). Last evaluated 2025-10-03.

Conditions:
Ullrich congenital muscular dystrophy 2 (UCMD2). Identifiers: Orphanet 75840, MedGen C4225314, MONDO:0014654, OMIM 616470.
Bethlem myopathy 2 (BTHLM2). Identifiers: Orphanet 536516, Orphanet 610, MedGen C4225313, MONDO:0034022, OMIM 616471.
Inborn genetic diseases. Identifiers: MedGen C0950123, MeSH D030342.

Allele frequency attached by ClinVar (database versions not stated): ExAC 0.00002; TOPMed below 0.00001.
gnomAD v4.1: 14 of 1,613,888 alleles (0.00087%); highest among the groups gnomAD compares: Admixed American, 0.0033%; no homozygotes.

Submissions (2):

Labcorp Genetics (formerly Invitae), Labcorp
Classification: Uncertain significance for Bethlem myopathy 2; Ullrich congenital muscular dystrophy 2. Last evaluated: 2025-10-03. Review status: criteria provided, single submitter. Criteria: Invitae Variant Classification Sherloc (09022015). Collection method: clinical testing. Allele origin: germline.
Comment: This sequence change replaces threonine, which is neutral and polar, with methionine, which is neutral and non-polar, at codon 2380 of the COL12A1 protein (p.Thr2380Met). This variant is present in population databases (rs752457445, gnomAD 0.004%). This variant has not been reported in the literature in individuals affected with COL12A1-related conditions. ClinVar contains an entry for this variant (Variation ID: 1923940). Invitae Evidence Modeling of protein sequence and biophysical properties (such as structural, functional, and spatial information, amino acid conservation, physicochemical variation, residue mobility, and thermodynamic stability) has been performed for this missense variant. However, the output from this modeling did not meet the statistical confidence thresholds required to predict the impact of this variant on COL12A1 protein function. In summary, the available evidence is currently insufficient to determine the role of this variant in disease. Therefore, it has been classified as a Variant of Uncertain Significance.

Ambry Genetics
Classification: Uncertain significance for Inborn genetic diseases. Last evaluated: 2024-09-27. Review status: criteria provided, single submitter. Criteria: Ambry Variant Classification Scheme 2023. Collection method: clinical testing. Allele origin: germline.